The following is an entry in ClinVar:

NM_025114.4(CEP290):c.1741G>A (p.Glu581Lys)

Gene: CEP290 (centrosomal protein 290; minus strand). Cytogenetic location: 12q21.32.
Variant type: single nucleotide variant.
Coding change: c.1741G>A on transcript NM_025114.4 (MANE Select); coding-DNA position 1741, G replaced by A.
Protein change: p.Glu581Lys; replaces glutamic acid 581 with lysine.
Molecular consequence: missense variant.
Genome position (GRCh38, 1-based): chr12:88,117,116, C>T on the plus strand (G>A on the coding strand, the complement: CEP290 is on the minus strand). VCF-style: chr12-88117116-C-T. GRCh37 (hg19) VCF-style: chr12-88510893-C-T.
Other names: short protein forms E581K.
Identifiers: ClinVar variation 1510923 (VCV001510923.5), dbSNP rs2039101381, ClinGen allele CA385978327.

ClinVar aggregate classification (germline): Uncertain significance (1 of 4 stars; one submission).

Conditions:
Nephronophthisis. Also called: Juvenile Nephronophthisis. Identifiers: Orphanet 655, MedGen C0687120, MONDO:0019005, HP:0000090.
Meckel-Gruber syndrome. Also called: DYSENCEPHALIA SPLANCHNOCYSTICA; GRUBER SYNDROME; Dysencephalia splachnocystica. Identifiers: Orphanet 564, MedGen C0265215, MONDO:0018921.
Joubert syndrome. Also called: CEREBELLOPARENCHYMAL DISORDER IV; JOUBERT-BOLTSHAUSER SYNDROME; Familial aplasia of the vermis. Identifiers: Orphanet 475, MedGen C5979921, MONDO:0018772.

Allele frequency attached by ClinVar (database versions not stated): gnomAD exomes below 0.00001; TOPMed below 0.00001.

Submission:

Labcorp Genetics (formerly Invitae), Labcorp
Classification: Uncertain significance for Joubert syndrome; Meckel-Gruber syndrome; Nephronophthisis. Last evaluated: 2022-07-30. Review status: criteria provided, single submitter. Criteria: Invitae Variant Classification Sherloc (09022015). Collection method: clinical testing. Allele origin: germline.
Comment: This sequence change replaces glutamic acid, which is acidic and polar, with lysine, which is basic and polar, at codon 581 of the CEP290 protein (p.Glu581Lys). This variant is not present in population databases (gnomAD no frequency). This variant has not been reported in the literature in individuals affected with CEP290-related conditions. ClinVar contains an entry for this variant (Variation ID: 1510923). Algorithms developed to predict the effect of missense changes on protein structure and function (SIFT, PolyPhen-2, Align-GVGD) all suggest that this variant is likely to be tolerated. Algorithms developed to predict the effect of sequence changes on RNA splicing suggest that this variant may disrupt the consensus splice site. In summary, the available evidence is currently insufficient to determine the role of this variant in disease. Therefore, it has been classified as a Variant of Uncertain Significance.